The following is an entry in ClinVar:

ClinVar aggregate classification (germline): Uncertain significance (1 of 4 stars; one submission).

Conditions:
Familial thoracic aortic aneurysm and aortic dissection (TAAD). Also called: Thoracic aortic aneurysms and dissections. Identifiers: Orphanet 91387, MedGen C4707243, MONDO:0019625.

Allele frequency attached by ClinVar (database versions not stated): gnomAD exomes below 0.00001 and 0.00001; TOPMed below 0.00001; ExAC 0.00002.
gnomAD v4.1: 2 of 1,614,044 alleles (0.00012%); highest among the groups gnomAD compares: African/African-American, 0.0013%; no homozygotes.

Submission:

Color Diagnostics, LLC DBA Color Health
Classification: Uncertain significance for Familial thoracic aortic aneurysm and aortic dissection. Last evaluated: 2018-12-04. Review status: criteria provided, single submitter. Criteria: ACMG Guidelines, 2015. Collection method: clinical testing. Allele origin: germline.
Comment: Variant of Uncertain Significance due to insufficient evidence: This missense variant is located in the calcium-binding EGF-like motif 11 of the FBN1 protein. Computational prediction tools and conservation analyses are inconclusive regarding the impact of this variant on the protein function. Computational splicing tools suggest that this variant may not impact RNA splicing. To our knowledge, functional assays have not been performed for this variant nor has this variant been reported in individuals affected with cardiovascular disorders in the literature. This variant has been identified in 2/246222 chromosomes in the general population by the Genome Aggregation Database (gnomAD). Available evidence is insufficient to determine the pathogenicity of this variant conclusively.

NM_000138.5(FBN1):c.2267T>C (p.Val756Ala)

Gene: FBN1 (fibrillin 1; minus strand). Cytogenetic location: 15q21.1.
Variant type: single nucleotide variant.
Coding change: c.2267T>C on transcript NM_000138.5 (MANE Select); coding-DNA position 2267, T replaced by C.
Protein change: p.Val756Ala; replaces valine 756 with alanine.
Molecular consequence: missense variant.
Genome position (GRCh38, 1-based): chr15:48,497,292, A>G on the plus strand (T>C on the coding strand, the complement: FBN1 is on the minus strand). VCF-style: chr15-48497292-A-G. GRCh37 (hg19) VCF-style: chr15-48789489-A-G.
Other names: short protein forms V756A.
Identifiers: ClinVar variation 925631 (VCV000925631.3), dbSNP rs764101656, ClinGen allele CA047241.
Genomic context (GRCh38, chr15:48,497,292, plus strand): 5'-GGCAATGTTTCAGAAAATGGGTAAAACTTCTCACCAACGCAGTTTTTCCCAGTTGAATCC[A>G]CTTCATATCCTGAATTGCATATACATTTATAGGTCCCACGAAGGTTTTCACAGATTCCAT-3'
Protein context (NP_000129.3, residues 746-766): YKCICNSGYE[Val756Ala]DSTGKNCVDI